The following is an entry in ClinVar:

NM_001844.5(COL2A1):c.1231G>A (p.Gly411Arg)

Gene: COL2A1 (collagen type II alpha 1 chain; minus strand). Cytogenetic location: 12q13.11.
Variant type: single nucleotide variant.
Coding change: c.1231G>A on transcript NM_001844.5 (MANE Select); coding-DNA position 1231, G replaced by A.
Protein change: p.Gly411Arg; replaces glycine 411 with arginine.
Molecular consequence: missense variant.
Genome position (GRCh38, 1-based): chr12:47,987,304, C>T on the plus strand (G>A on the coding strand, the complement: COL2A1 is on the minus strand). VCF-style: chr12-47987304-C-T. GRCh37 (hg19) VCF-style: chr12-48381087-C-T.
Other names: c.1024G>A, p.Gly342Arg (NM_033150.3); short protein forms G342R, G411R.
Identifiers: ClinVar variation 1477354 (VCV001477354.8), dbSNP rs2136577175, ClinGen allele CA384554257.

ClinVar aggregate classification (germline): Likely pathogenic (1 of 4 stars; one submission).

Submission:

Labcorp Genetics (formerly Invitae), Labcorp
Classification: Likely pathogenic. Last evaluated: 2021-06-11. Review status: criteria provided, single submitter. Criteria: Invitae Variant Classification Sherloc (09022015). Collection method: clinical testing. Allele origin: germline.
Comment: This variant has been observed in individual(s) with clinical features of spondyloepiphyseal dysplasia congenita (PMID: 25604898). This variant is not present in population databases (ExAC no frequency). This sequence change replaces glycine with arginine at codon 411 of the COL2A1 protein (p.Gly411Arg). The glycine residue is highly conserved and there is a moderate physicochemical difference between glycine and arginine. Advanced modeling of protein sequence and biophysical properties (such as structural, functional, and spatial information, amino acid conservation, physicochemical variation, residue mobility, and thermodynamic stability) performed at Invitae indicates that this missense variant is expected to disrupt COL2A1 protein function. In summary, the currently available evidence indicates that the variant is pathogenic, but additional data are needed to prove that conclusively. Therefore, this variant has been classified as Likely Pathogenic. This variant disrupts the triple helix domain of COL2A1. Glycine residues within the Gly-Xaa-Yaa repeats of the triple helix domain are required for the structure and stability of fibrillar collagens (PMID: 7695699, 8218237, 19344236). In COL2A1, variants affecting these glycine residues are significantly enriched in individuals with disease (PMID: 9016532, 17078022) compared to the general population (ExAC).

Literature cited by the submitters: PubMed 25604898; PubMed 7695699; PubMed 8218237; PubMed 19344236; PubMed 9016532; PubMed 17078022.